The following is an entry in ClinVar:

NM_213622.4(STAMBP):c.1124G>T (p.Gly375Val)

Gene: STAMBP (STAM binding protein; plus strand). Cytogenetic location: 2p13.1.
Variant type: single nucleotide variant.
Coding change: c.1124G>T on transcript NM_213622.4 (MANE Select); coding-DNA position 1124, G replaced by T.
Protein change: p.Gly375Val; replaces glycine 375 with valine.
Molecular consequence: missense variant. On other transcripts: non-coding transcript variant (4).
Genome position (GRCh38, 1-based): chr2:73,860,057, G>T. VCF-style: chr2-73860057-G-T. GRCh37 (hg19) VCF-style: chr2-74087184-G-T.
Other names: c.1124G>T, p.Gly375Val (NM_001353967.2, NM_001353968.2, NM_001353969.2 and 3 more transcripts); c.719G>T, p.Gly240Val (NM_001353971.2, NM_001353972.2, NM_001353973.2 and 3 more transcripts); short protein forms G375V, G240V.
Identifiers: ClinVar variation 2114975 (VCV002114975.4), dbSNP rs921211408, ClinGen allele CA50397714.

ClinVar aggregate classification (germline): Uncertain significance (1 of 4 stars; one submission).

Submission:

Labcorp Genetics (formerly Invitae), Labcorp
Classification: Uncertain significance. Last evaluated: 2022-10-14. Review status: criteria provided, single submitter. Criteria: Invitae Variant Classification Sherloc (09022015). Collection method: clinical testing. Allele origin: germline.
Comment: In summary, the available evidence is currently insufficient to determine the role of this variant in disease. Therefore, it has been classified as a Variant of Uncertain Significance. Advanced modeling of protein sequence and biophysical properties (such as structural, functional, and spatial information, amino acid conservation, physicochemical variation, residue mobility, and thermodynamic stability) performed at Invitae indicates that this missense variant is expected to disrupt STAMBP protein function. This variant has not been reported in the literature in individuals affected with STAMBP-related conditions. This variant is not present in population databases (gnomAD no frequency). This sequence change replaces glycine, which is neutral and non-polar, with valine, which is neutral and non-polar, at codon 375 of the STAMBP protein (p.Gly375Val).